The following is an entry in ClinVar:

NM_020338.4(ZMIZ1):c.973G>A (p.Ala325Thr)

Gene: ZMIZ1 (zinc finger MIZ-type containing 1; plus strand). Cytogenetic location: 10q22.3.
Variant type: single nucleotide variant.
Coding change: c.973G>A on transcript NM_020338.4 (MANE Select); coding-DNA position 973, G replaced by A.
Protein change: p.Ala325Thr; replaces alanine 325 with threonine.
Molecular consequence: missense variant.
Genome position (GRCh38, 1-based): chr10:79,293,396, G>A. VCF-style: chr10-79293396-G-A. GRCh37 (hg19) VCF-style: chr10-81053153-G-A.
Other names: short protein forms A325T.
Identifiers: ClinVar variation 2518618 (VCV002518618.5), dbSNP rs373449711, ClinGen allele CA5572500.

ClinVar aggregate classification (germline): Uncertain significance. Review status: criteria provided, multiple submitters, no conflicts (2 of 4 stars). 2 submissions from 2 submitters: Uncertain significance (2). Last evaluated 2025-04-27.

Conditions:
Inborn genetic diseases. Identifiers: MedGen C0950123, MeSH D030342.

Allele frequency attached by ClinVar (database versions not stated): ExAC 0.00001.
gnomAD v4.1: 99 of 1,516,408 alleles (0.0065%); highest among the groups gnomAD compares: Non-Finnish European, 0.0081%; no homozygotes.

Submissions (2):

Labcorp Genetics (formerly Invitae), Labcorp
Classification: Uncertain significance. Last evaluated: 2025-04-27. Review status: criteria provided, single submitter. Criteria: Invitae Variant Classification Sherloc (09022015). Collection method: clinical testing. Allele origin: germline.
Comment: This sequence change replaces alanine, which is neutral and non-polar, with threonine, which is neutral and polar, at codon 325 of the ZMIZ1 protein (p.Ala325Thr). This variant is present in population databases (rs373449711, gnomAD 0.001%). This variant has not been reported in the literature in individuals affected with ZMIZ1-related conditions. ClinVar contains an entry for this variant (Variation ID: 2518618). Invitae Evidence Modeling of protein sequence and biophysical properties (such as structural, functional, and spatial information, amino acid conservation, physicochemical variation, residue mobility, and thermodynamic stability) indicates that this missense variant is not expected to disrupt ZMIZ1 protein function with a negative predictive value of 95%. In summary, the available evidence is currently insufficient to determine the role of this variant in disease. Therefore, it has been classified as a Variant of Uncertain Significance.

Ambry Genetics
Classification: Uncertain significance for Inborn genetic diseases. Last evaluated: 2023-05-04. Review status: criteria provided, single submitter. Criteria: Ambry Variant Classification Scheme 2023. Collection method: clinical testing. Allele origin: germline.